The following is an entry in ClinVar:

ClinVar aggregate classification (germline): Uncertain significance (1 of 4 stars; one submission).

gnomAD v4.1: 2 of 1,580,460 alleles (0.00013%); highest among the groups gnomAD compares: East Asian, 0.0023%; no homozygotes.

Submission:

Ambry Genetics
Classification: Uncertain significance. Last evaluated: 2025-02-04. Review status: criteria provided, single submitter. Criteria: Ambry Variant Classification Scheme 2023. Collection method: clinical testing. Allele origin: germline.
Comment: The p.E554D variant (also known as c.1662G>C), located in coding exon 7 of the WNK2 gene, results from a G to C substitution at nucleotide position 1662. The glutamic acid at codon 554 is replaced by aspartic acid, an amino acid with highly similar properties. This amino acid position is conserved. In addition, this alteration is predicted to be tolerated by in silico analysis. Based on the available evidence, the clinical significance of this variant remains unclear.

NM_006648.4(WNK2):c.1662G>C (p.Glu554Asp)

Gene: WNK2 (WNK lysine deficient protein kinase 2; plus strand). Cytogenetic location: 9q22.31.
Variant type: single nucleotide variant.
Coding change: c.1662G>C on transcript NM_006648.4 (MANE Select); coding-DNA position 1662, G replaced by C.
Protein change: p.Glu554Asp; replaces glutamic acid 554 with aspartic acid.
Molecular consequence: missense variant.
Genome position (GRCh38, 1-based): chr9:93,247,662, G>C. VCF-style: chr9-93247662-G-C. GRCh37 (hg19) VCF-style: chr9-96009944-G-C.
Other names: c.1662G>C, p.Glu554Asp (NM_001282394.3); short protein forms E554D.
Identifiers: ClinVar variation 3817000 (VCV003817000.1).